The following is an entry in ClinVar:

ClinVar aggregate classification (germline): Conflicting classifications of pathogenicity. Review status: criteria provided, conflicting classifications (1 of 4 stars). 2 submissions from 2 submitters: Uncertain significance (1); Likely benign (1). Last evaluated 2023-03-23.

Conditions:
Hereditary cancer-predisposing syndrome. Also called: Tumor predisposition; Hereditary neoplastic syndrome; Neoplastic Syndromes, Hereditary; Hereditary Cancer Syndrome. Identifiers: Orphanet 140162, MedGen C0027672, MeSH D009386, MONDO:0015356.
Hereditary breast ovarian cancer syndrome. Also called: Hereditary breast and ovarian cancer; Hereditary breast and ovarian cancer syndrome; Hereditary breast and/or ovarian cancer syndrome; Hereditary breast and ovarian cancer syndrome (HBOC); Breast and ovarian cancer; BRCA1- and BRCA2-Associated Hereditary Breast and Ovarian Cancer. Identifiers: Orphanet 145, MedGen C0677776, MeSH D061325, MONDO:0003582. Disease mechanism: loss of function.

Submissions (2):

University of Washington Department of Laboratory Medicine, University of Washington
Classification: Likely benign for Hereditary cancer-predisposing syndrome. Last evaluated: 2023-03-23. Review status: criteria provided, single submitter. Criteria: Dines et al. (Genet Med. 2020). Collection method: curation. Allele origin: germline.
Comment: Missense variant in a coldspot region where missense variants are very unlikely to be pathogenic (PMID:31911673).

BRCA1 coldspot (exon 11 using historical exon numbering). Reclassification based on statistical prior probability

Labcorp Genetics (formerly Invitae), Labcorp
Classification: Uncertain significance for Hereditary breast ovarian cancer syndrome. Last evaluated: 2022-01-12. Review status: criteria provided, single submitter. Criteria: Invitae Variant Classification Sherloc (09022015). Collection method: clinical testing. Allele origin: germline.
Comment: In summary, the available evidence is currently insufficient to determine the role of this variant in disease. Therefore, it has been classified as a Variant of Uncertain Significance. Advanced modeling of protein sequence and biophysical properties (such as structural, functional, and spatial information, amino acid conservation, physicochemical variation, residue mobility, and thermodynamic stability) performed at Invitae indicates that this missense variant is not expected to disrupt BRCA1 protein function. This variant has not been reported in the literature in individuals affected with BRCA1-related conditions. This variant is not present in population databases (gnomAD no frequency). This sequence change replaces leucine, which is neutral and non-polar, with arginine, which is basic and polar, at codon 631 of the BRCA1 protein (p.Leu631Arg).

NM_007294.4(BRCA1):c.1892T>G (p.Leu631Arg)

Gene: BRCA1 (BRCA1 DNA repair associated; minus strand). Cytogenetic location: 17q21.31.
Variant type: single nucleotide variant.
Coding change: c.1892T>G on transcript NM_007294.4 (MANE Select); coding-DNA position 1892, T replaced by G.
Protein change: p.Leu631Arg; replaces leucine 631 with arginine.
Molecular consequence: missense variant. On other transcripts: intron variant (137).
Genome position (GRCh38, 1-based): chr17:43,093,639, A>C on the plus strand (T>G on the coding strand, the complement: BRCA1 is on the minus strand). VCF-style: chr17-43093639-A-C. GRCh37 (hg19) VCF-style: chr17-41245656-A-C.
Other names: c.1814T>G, p.Leu605Arg (NM_001407654.1, NM_001407655.1, NM_001407656.1 and 4 more transcripts); c.1811T>G, p.Leu604Arg (NM_001407659.1, NM_001407660.1, NM_001407661.1 and 1 more transcripts); c.1769T>G, p.Leu590Arg (NM_001407664.1, NM_001407677.1, NM_001407678.1 and 19 more transcripts); c.1766T>G, p.Leu589Arg (NM_001407671.1, NM_001407672.1, NM_001407673.1 and 11 more transcripts); c.1892T>G, p.Leu631Arg (NM_001407684.1, NM_001407581.1, NM_001407582.1 and 30 more transcripts); c.1679T>G, p.Leu560Arg (NM_001407571.1, NM_001407853.1, NM_001407894.1 and 9 more transcripts); c.1889T>G, p.Leu630Arg (NM_001407587.1, NM_001407590.1, NM_001407591.1 and 22 more transcripts); c.1883T>G, p.Leu628Arg (NM_001407646.1, NM_001407647.1); and 40 more; short protein forms L584R, L631R, L335R, L520R, L542R, L564R, L604R, L628R.
Identifiers: ClinVar variation 1492468 (VCV001492468.11), dbSNP rs1386991114, ClinGen allele CA10598235.
Genomic context (GRCh38, chr17:43,093,639, plus strand): 5'-TTTATCTCTTCACTGCTAGAACAACTATCAATTTGCAATTCAGTACAATTAGGTGGGCTT[A>C]GATTTCTACTGACTACTAGTTCAAGCGCATGAATATGCCTGGTAGAAGACTTCCTCCTCA-3'
Protein context (NP_009225.1, residues 621-641): HALELVVSRN[Leu631Arg]SPPNCTELQI